The following is an entry in ClinVar:

NM_032578.4(MYPN):c.2671dup (p.Ile891fs)

Gene: MYPN (myopalladin; plus strand). Cytogenetic location: 10q21.3.
Variant type: Duplication.
Coding change: c.2671dup on transcript NM_032578.4 (MANE Select); coding-DNA position 2671, one base duplicated (A; older notation c.2671dupA).
Protein change: p.Ile891fs; shifts the reading frame from isoleucine 891.
Molecular consequence: frameshift variant. On other transcripts: non-coding transcript variant (1).
Genome position (GRCh38, 1-based): chr10:68,175,429, A duplicated; the last of 7 consecutive A bases (chr10:68,175,423-68,175,429); duplicating any one gives the same sequence. VCF-style (leftmost placement, unchanged base first): chr10-68175422-G-GA. GRCh37 (hg19) VCF-style: chr10-69935179-G-GA.
Other names: c.2671dup, p.Ile891fs (NM_001256267.2); c.1789dup, p.Ile597fs (NM_001256268.2); short protein forms I891fs, I597fs.
Identifiers: ClinVar variation 3652248 (VCV003652248.2).

ClinVar aggregate classification (germline): Pathogenic (1 of 4 stars; one submission).

Conditions:
Dilated cardiomyopathy 1KK (CMD1KK). Identifiers: Orphanet 154, Orphanet 75249, MedGen C3714995, MONDO:0014100, OMIM 615248.

Submission:

Labcorp Genetics (formerly Invitae), Labcorp
Classification: Pathogenic for Dilated cardiomyopathy 1KK. Last evaluated: 2024-05-05. Review status: criteria provided, single submitter. Criteria: Invitae Variant Classification Sherloc (09022015). Collection method: clinical testing. Allele origin: germline.
Comment: This sequence change creates a premature translational stop signal (p.Ile891Asnfs*5) in the MYPN gene. It is expected to result in an absent or disrupted protein product. Loss-of-function variants in MYPN are known to be pathogenic (PMID: 28017374). This variant is not present in population databases (gnomAD no frequency). This variant has not been reported in the literature in individuals affected with MYPN-related conditions. For these reasons, this variant has been classified as Pathogenic.

Literature cited by the submitters: PubMed 28017374.